The following is an entry in ClinVar:

NM_002691.4(POLD1):c.3165G>A (p.Trp1055Ter)

Gene: POLD1 (DNA polymerase delta 1, catalytic subunit; plus strand). Cytogenetic location: 19q13.33.
Variant type: single nucleotide variant.
Coding change: c.3165G>A on transcript NM_002691.4 (MANE Select); coding-DNA position 3165, G replaced by A.
Protein change: p.Trp1055Ter; replaces tryptophan 1055 with a stop codon.
Molecular consequence: nonsense. On other transcripts: non-coding transcript variant (1).
Genome position (GRCh38, 1-based): chr19:50,417,216, G>A. VCF-style: chr19-50417216-G-A. GRCh37 (hg19) VCF-style: chr19-50920473-G-A.
Other names: c.3165G>A, p.Trp1055Ter (NM_001256849.1); c.3243G>A, p.Trp1081Ter (NM_001308632.1); short protein forms W1055*, W1081*.
Identifiers: ClinVar variation 823032 (VCV000823032.16), dbSNP rs1601249877, ClinGen allele CA406987385.

ClinVar aggregate classification (germline): Uncertain significance. Review status: criteria provided, multiple submitters, no conflicts (2 of 4 stars). 2 submissions from 2 submitters: Uncertain significance (2). Last evaluated 2026-08-07.

Conditions:
Hereditary cancer-predisposing syndrome. Also called: Tumor predisposition; Hereditary neoplastic syndrome; Neoplastic Syndromes, Hereditary; Hereditary Cancer Syndrome. Identifiers: Orphanet 140162, MedGen C0027672, MeSH D009386, MONDO:0015356.
POLD1-related polyposis and colorectal cancer syndrome (CRCS10). Also called: Colorectal cancer 10; COLORECTAL CANCER, SUSCEPTIBILITY TO, ON CHROMOSOME 19q; Colorectal cancer, susceptibility to, 10. Identifiers: Orphanet 220460, MedGen C2675481, MONDO:0012953, OMIM 612591.

Submissions (2):

Ambry Genetics
Classification: Uncertain significance for Hereditary cancer-predisposing syndrome. Last evaluated: 2026-08-07. Review status: criteria provided, single submitter. Criteria: Ambry Variant Classification Scheme 2023. Collection method: clinical testing. Allele origin: germline.
Comment: The p.W1055* variant (also known as c.3165G>A), located in coding exon 25 of the POLD1 gene, results from a G to A substitution at nucleotide position 3165. This changes the amino acid from a tryptophan to a stop codon within coding exon 25. This variant occurs at the 3' terminus of the gene and is not expected to trigger nonsense-mediated mRNA decay. Based on the available evidence, the clinical significance of this variant remains unclear.

Labcorp Genetics (formerly Invitae), Labcorp
Classification: Uncertain significance for POLD1-related polyposis and colorectal cancer syndrome. Last evaluated: 2019-01-04. Review status: criteria provided, single submitter. Criteria: Invitae Variant Classification Sherloc (09022015). Collection method: clinical testing. Allele origin: germline.
Comment: This sequence change creates a premature translational stop signal (p.Trp1055*) in the POLD1 gene. It is expected to result in an absent or disrupted protein product. This variant is not present in population databases (ExAC no frequency). Missense variants that disrupt the 3'-5' exonuclease (proof-reading) activity of the POLD1 protein, while not abolishing its polymerase enzyme activity, are associated with an increased risk for colonic adenomatous polyps and colon cancer (PMID: 23263490, 23447401). Loss-of-function truncating variants, which result in an absent or severely disrupted POLD1 protein, are therefore unlikely to be associated with disease. Without further clinical and genetic evidence, however, this variant has been classified as a Variant of Uncertain Significance. This variant has not been reported in the literature in individuals with POLD1-related conditions.

Literature cited by the submitters: PubMed 23263490 (cited by Labcorp Genetics (formerly Invitae), Labcorp); PubMed 23447401 (cited by Labcorp Genetics (formerly Invitae), Labcorp).